The following is an entry in ClinVar:

ClinVar aggregate classification (germline): Pathogenic/Likely pathogenic. Review status: criteria provided, multiple submitters, no conflicts (2 of 4 stars). 4 submissions from 4 submitters: Pathogenic (2); Likely pathogenic (2). Last evaluated 2025-06-04.

Conditions:
RYR1-related disorder. Also called: RYR1-related condition; RYR1-related disorders. Identifiers: MedGen CN239331.

Allele frequency attached by ClinVar (database versions not stated): TOPMed 0.00002.
gnomAD v4.1: 12 of 1,596,966 alleles (0.00075%); highest among the groups gnomAD compares: Non-Finnish European, 0.001%; no homozygotes.

Submissions (4):

Labcorp Genetics (formerly Invitae), Labcorp
Classification: Likely pathogenic for RYR1-related disorder. Last evaluated: 2025-06-04. Review status: criteria provided, single submitter. Criteria: Invitae Variant Classification Sherloc (09022015). Collection method: clinical testing. Allele origin: germline.
Comment: This sequence change affects a donor splice site in intron 37 of the RYR1 gene. It is expected to disrupt RNA splicing. Variants that disrupt the donor or acceptor splice site typically lead to a loss of protein function (PMID: 16199547), and loss-of-function variants in RYR1 are known to be pathogenic (PMID: 23919265, 25960145, 28818389, 30611313). This variant is not present in population databases (gnomAD no frequency). This variant has not been reported in the literature in individuals affected with RYR1-related conditions. ClinVar contains an entry for this variant (Variation ID: 436626). Algorithms developed to predict the effect of sequence changes on RNA splicing suggest that this variant may disrupt the consensus splice site. In summary, the currently available evidence indicates that the variant is pathogenic, but additional data are needed to prove that conclusively. Therefore, this variant has been classified as Likely Pathogenic.

GeneDx
Classification: Pathogenic. Last evaluated: 2025-05-08. Review status: criteria provided, single submitter. Criteria: GeneDx Variant Classification Process June 2021. Collection method: clinical testing. Allele origin: germline. Affected: yes.
Comment: Canonical splice site variant predicted to result in a null allele in a gene for which loss of function is a known mechanism of disease; Not observed at significant frequency in large population cohorts (gnomAD); Has not been previously published as pathogenic or benign to our knowledge

PreventionGenetics, part of Exact Sciences
Classification: Likely pathogenic. Last evaluated: 2016-08-19. Review status: criteria provided, single submitter. Criteria: ACMG Guidelines, 2015. Collection method: clinical testing. Allele origin: germline.

Genetic Services Laboratory, University of Chicago
Classification: Pathogenic. Last evaluated: 2015-09-25. Review status: criteria provided, single submitter. Criteria: ACMG Guidelines, 2015. Collection method: clinical testing. Allele origin: germline. Affected: yes.

Literature cited by the submitters: PubMed 16199547 (cited by Labcorp Genetics (formerly Invitae), Labcorp); PubMed 23919265 (cited by Labcorp Genetics (formerly Invitae), Labcorp); PubMed 25960145 (cited by Labcorp Genetics (formerly Invitae), Labcorp); PubMed 28818389 (cited by Labcorp Genetics (formerly Invitae), Labcorp); PubMed 30611313 (cited by Labcorp Genetics (formerly Invitae), Labcorp).

NM_000540.3(RYR1):c.6127+1G>A

Gene: RYR1 (ryanodine receptor 1; plus strand). Cytogenetic location: 19q13.2.
Variant type: single nucleotide variant.
Coding change: c.6127+1G>A on transcript NM_000540.3 (MANE Select); the canonical splice donor site of the intron after coding-DNA position 6127, G replaced by A.
Molecular consequence: splice donor variant.
Genome position (GRCh38, 1-based): chr19:38,490,733, G>A. VCF-style: chr19-38490733-G-A. GRCh37 (hg19) VCF-style: chr19-38981373-G-A.
Other names: c.6127+1G>A (NM_001042723.2).
Identifiers: ClinVar variation 436626 (VCV000436626.13), dbSNP rs1283302989, ClinGen allele CA405660953.